The following is an entry in ClinVar:

ClinVar aggregate classification (germline): Uncertain significance. Review status: criteria provided, multiple submitters, no conflicts (2 of 4 stars). 2 submissions from 2 submitters: Uncertain significance (2). Last evaluated 2021-12-01.

Conditions:
Inborn genetic diseases. Identifiers: MedGen C0950123, MeSH D030342.
Autosomal dominant Parkinson disease 8. Also called: Parkinson disease 8, susceptibility to; LRRK2-Related Parkinson Disease; Parkinson disease 8. Identifiers: Orphanet 411602, MedGen C1846862, MONDO:0011764, OMIM 607060.

Allele frequency attached by ClinVar (database versions not stated): gnomAD exomes below 0.00001.
gnomAD v4.1: 1 of 1,614,052 alleles (0.000062%); highest among the groups gnomAD compares: South Asian, 0.0011%; no homozygotes.

Submissions (2):

Ambry Genetics
Classification: Uncertain significance for Inborn genetic diseases. Last evaluated: 2021-12-01. Review status: criteria provided, single submitter. Criteria: Ambry Variant Classification Scheme 2023. Collection method: clinical testing. Allele origin: germline.
Comment: The p.I1378V variant (also known as c.4132A>G), located in coding exon 29 of the LRRK2 gene, results from an A to G substitution at nucleotide position 4132. The isoleucine at codon 1378 is replaced by valine, an amino acid with highly similar properties. This amino acid position is conserved. In addition, this alteration is predicted to be tolerated by in silico analysis. Since supporting evidence is limited at this time, the clinical significance of this alteration remains unclear.

Labcorp Genetics (formerly Invitae), Labcorp
Classification: Uncertain significance for Autosomal dominant Parkinson disease 8. Last evaluated: 2020-04-13. Review status: criteria provided, single submitter. Criteria: Invitae Variant Classification Sherloc (09022015). Collection method: clinical testing. Allele origin: germline.
Comment: In summary, the available evidence is currently insufficient to determine the role of this variant in disease. Therefore, it has been classified as a Variant of Uncertain Significance. Algorithms developed to predict the effect of missense changes on protein structure and function output the following: SIFT: "Tolerated"; PolyPhen-2: "Benign"; Align-GVGD: "Class C0". The valine amino acid residue is found in multiple mammalian species, suggesting that this missense change does not adversely affect protein function. These predictions have not been confirmed by published functional studies and their clinical significance is uncertain. This variant has not been reported in the literature in individuals with LRRK2-related conditions. This variant is not present in population databases (ExAC no frequency). This sequence change replaces isoleucine with valine at codon 1378 of the LRRK2 protein (p.Ile1378Val). The isoleucine residue is moderately conserved and there is a small physicochemical difference between isoleucine and valine.

NM_198578.4(LRRK2):c.4132A>G (p.Ile1378Val)

Gene: LRRK2 (leucine rich repeat kinase 2; plus strand). Cytogenetic location: 12q12.
Variant type: single nucleotide variant.
Coding change: c.4132A>G on transcript NM_198578.4 (MANE Select); coding-DNA position 4132, A replaced by G.
Protein change: p.Ile1378Val; replaces isoleucine 1378 with valine.
Molecular consequence: missense variant.
Genome position (GRCh38, 1-based): chr12:40,308,639, A>G. VCF-style: chr12-40308639-A-G. GRCh37 (hg19) VCF-style: chr12-40702441-A-G.
Other names: short protein forms I1378V.
Identifiers: ClinVar variation 1045094 (VCV001045094.10), dbSNP rs1447241100, ClinGen allele CA384417823.
Genomic context (GRCh38, chr12:40,308,639, plus strand): 5'-AAGAAATCAGATCTTGGAATGCAAAGTGCCACAGTTGGCATAGATGTGAAAGACTGGCCT[A>G]TCCAAATAAGAGACAAAAGAAAGAGAGATCTCGTCCTAAATGTGTGGGATTTTGCAGGTA-3'
Protein context (NP_940980.4, residues 1368-1388): TVGIDVKDWP[Ile1378Val]QIRDKRKRDL